The following is an entry in ClinVar:

ClinVar aggregate classification (germline): Likely pathogenic. Review status: criteria provided, single submitter (1 of 4 stars). 2 submissions from 2 submitters: Likely pathogenic (1). 1 of the submissions does not count toward it. Last evaluated 2026-01-13.

Conditions:
Succinyl-CoA acetoacetate transferase deficiency (SCOTD). Also called: SCOT DEFICIENCY; SUCCINYL-CoA:3-KETOACID CoA-TRANSFERASE DEFICIENCY; 3-Oxoacid CoA Transferase Deficiency; Succinyl CoA:3-oxoacid CoA transferase deficiency; KETOACIDOSIS DUE TO SCOT DEFICIENCY. Identifiers: Orphanet 832, MedGen C0342792, MONDO:0009492, OMIM 245050.

Submissions (2):

3billion
Classification: Likely pathogenic for Succinyl-CoA acetoacetate transferase deficiency. Last evaluated: 2026-01-13. Review status: criteria provided, single submitter. Criteria: ACMG Guidelines, 2015. Collection method: clinical testing. Allele origin: germline. Affected: yes.
Comment: The variant is not observed in the gnomAD v4.1.0 dataset. Predicted Consequence/Location: Intron variant Functional studies provide moderate evidence of the variant having a damaging effect on the gene or gene product (PMID: 23281106). In silico tools predict the variant to alter splicing and produce an abnormal transcript [SpliceAI: 0.82 (>=0.2, moderate evidence for spliceogenicity)]. The variant has been reported at least twice as pathogenic without evidence for the classification (ClinVar ID: VCV000041497 /PMID: 23281106 /3billion dataset). Therefore, this variant is classified as Likely pathogenic according to the recommendation of ACMG/AMP guideline.

OMIM
Classification: Pathogenic for SUCCINYL-CoA:3-OXOACID-CoA TRANSFERASE DEFICIENCY. Last evaluated: 2013-03-01. Review status: no assertion criteria provided. Collection method: literature only. Allele origin: germline. Not counted in ClinVar's aggregate classification.

Literature cited by the submitters: PubMed 23281106 (cited by 3billion and OMIM).

NM_000436.4(OXCT1):c.1248+5G>A

Gene: OXCT1 (3-oxoacid CoA-transferase 1; minus strand). Cytogenetic location: 5p13.1.
Variant type: single nucleotide variant.
Coding change: c.1248+5G>A on transcript NM_000436.4 (MANE Select); 5 bases into the intron after coding-DNA position 1248, G replaced by A.
Molecular consequence: intron variant.
Genome position (GRCh38, 1-based): chr5:41,793,998, C>T on the plus strand (G>A on the coding strand, the complement: OXCT1 is on the minus strand). VCF-style: chr5-41793998-C-T. GRCh37 (hg19) VCF-style: chr5-41794100-C-T.
Other names: IVS13DS, G-A, +5; c.1242+5G>A (NM_001364301.2); c.1248+5G>A (NM_001364302.2); c.1269+5G>A (NM_001364299.2, NM_001364300.2); c.690+5G>A (NM_001364303.2).
Identifiers: ClinVar variation 41497 (VCV000041497.3), dbSNP rs1561081472, ClinGen allele CA443815690.
Genomic context (GRCh38, chr5:41,793,998, plus strand): 5'-TCTTAGTATTTAAAATATAATTATTCTGATCCAAACATAATTCAGAATAAAAAATGTCTA[C>T]TTACAGGTATCATCCAGTTAGCCAGGTCACCATATTTGGAAACCTGCATCGCTCCTAGCA-3'